The following is an entry in ClinVar:

ClinVar aggregate classification (germline): Uncertain significance (1 of 4 stars; one submission).

Conditions:
Combined immunodeficiency due to LRBA deficiency. Also called: Common variable immunodeficiency 8, with autoimmunity. Identifiers: Orphanet 445018, MedGen C3553512, MONDO:0013863, OMIM 614700.

Allele frequency attached by ClinVar (database versions not stated): ExAC 0.00002; TOPMed 0.00002; gnomAD 0.00003 and 0.00004; gnomAD exomes 0.00003 and 0.00004.
gnomAD v4.1: 56 of 1,613,616 alleles (0.0035%); highest among the groups gnomAD compares: Non-Finnish European, 0.0046%; no homozygotes.

Submission:

Labcorp Genetics (formerly Invitae), Labcorp
Classification: Uncertain significance for Combined immunodeficiency due to LRBA deficiency. Last evaluated: 2023-08-04. Review status: criteria provided, single submitter. Criteria: Invitae Variant Classification Sherloc (09022015). Collection method: clinical testing. Allele origin: germline.
Comment: This sequence change affects codon 1386 of the LRBA mRNA. It is a 'silent' change, meaning that it does not change the encoded amino acid sequence of the LRBA protein. It affects a nucleotide within the consensus splice site. In summary, the available evidence is currently insufficient to determine the role of this variant in disease. Therefore, it has been classified as a Variant of Uncertain Significance. Algorithms developed to predict the effect of sequence changes on RNA splicing suggest that this variant may create or strengthen a splice site. ClinVar contains an entry for this variant (Variation ID: 1392756). This variant has not been reported in the literature in individuals affected with LRBA-related conditions. This variant is present in population databases (rs751408517, gnomAD 0.007%).

NM_001364905.1(LRBA):c.4158A>G (p.Thr1386=)

Gene: LRBA (LPS responsive beige-like anchor protein; minus strand). Cytogenetic location: 4q31.3.
Variant type: single nucleotide variant.
Coding change: c.4158A>G on transcript NM_001364905.1 (MANE Select); coding-DNA position 4158, A replaced by G.
Protein change: p.Thr1386=; no amino-acid change (threonine 1386 retained).
Molecular consequence: synonymous variant.
Genome position (GRCh38, 1-based): chr4:150,849,422, T>C on the plus strand (A>G on the coding strand, the complement: LRBA is on the minus strand). VCF-style: chr4-150849422-T-C. GRCh37 (hg19) VCF-style: chr4-151770574-T-C.
Other names: c.4158A>G, p.Thr1386= (NM_001199282.3, NM_001367550.1, NM_006726.5).
Identifiers: ClinVar variation 1392756 (VCV001392756.8), dbSNP rs751408517, ClinGen allele CA3102886.